The following is an entry in ClinVar:

ClinVar aggregate classification (germline): Uncertain significance (1 of 4 stars; one submission).

Allele frequency attached by ClinVar (database versions not stated): gnomAD exomes below 0.00001 and 0.00002; ExAC 0.00003; ESP Exome Variant Server 0.00008; gnomAD 0.00011 and 0.00012; TOPMed 0.00012; 1000 Genomes Project 0.00060; 1000 Genomes Project 30x 0.00062.
gnomAD v4.1: 22 of 1,613,864 alleles (0.0014%); highest among the groups gnomAD compares: African/African-American, 0.028%; no homozygotes.

Submission:

Labcorp Genetics (formerly Invitae), Labcorp
Classification: Uncertain significance. Last evaluated: 2021-08-26. Review status: criteria provided, single submitter. Criteria: Invitae Variant Classification Sherloc (09022015). Collection method: clinical testing. Allele origin: germline.
Comment: This sequence change replaces valine with alanine at codon 174 of the SCO2 protein (p.Val174Ala). The valine residue is highly conserved and there is a small physicochemical difference between valine and alanine. This variant is present in population databases (rs370229835, ExAC 0.04%). This variant has not been reported in the literature in individuals affected with SCO2-related conditions. Algorithms developed to predict the effect of missense changes on protein structure and function output the following: SIFT: "Tolerated"; PolyPhen-2: "Benign"; Align-GVGD: "Class C0". The alanine amino acid residue is found in multiple mammalian species, which suggests that this missense change does not adversely affect protein function. In summary, the available evidence is currently insufficient to determine the role of this variant in disease. Therefore, it has been classified as a Variant of Uncertain Significance.

NM_005138.3(SCO2):c.521T>C (p.Val174Ala)

Genes: NCAPH2 (non-SMC condensin II complex subunit H2; plus strand), SCO2 (synthesis of cytochrome C oxidase 2; minus strand). Cytogenetic location: 22q13.33.
Variant type: single nucleotide variant.
Coding change: c.521T>C on transcript NM_005138.3 (MANE Select); coding-DNA position 521, T replaced by C.
Protein change: p.Val174Ala; replaces valine 174 with alanine.
Molecular consequence: missense variant. On other transcripts: 3 prime UTR variant (2).
Genome position (GRCh38, 1-based): chr22:50,523,891, A>G on the plus strand (T>C on the coding strand, the complement: SCO2 is on the minus strand). VCF-style: chr22-50523891-A-G. GRCh37 (hg19) VCF-style: chr22-50962320-A-G.
Other names: c.*516A>G (NM_001185011.2, NM_152299.4); c.521T>C, p.Val174Ala (NM_001169109.2, NM_001169110.1, NM_001169111.2); short protein forms V174A.
Identifiers: ClinVar variation 1424124 (VCV001424124.5), dbSNP rs370229835, ClinGen allele CA10321180.
Genomic context (GRCh38, chr22:50,523,891, plus strand): 5'-GAGCCGGTCAGACCCAACAGTCTTGGGTGGAAGTCCTGGACGTAGCGGGCCATGGCTTCA[A>G]CGTCGTCCCGCTCGGGGTCCACAGTGATGAAGACAGGCTGCACTGGAGGCAAACCAGGCT-3'
Protein context (NP_005129.2, residues 164-184): FITVDPERDD[Val174Ala]EAMARYVQDF